The following is an entry in ClinVar:

NM_138459.5:c.(415+1_416-1)_(691+1_692-1)del

Gene: NUS1 (NUS1 dehydrodolichyl diphosphate synthase subunit; plus strand).
Variant type: Deletion.
Other names: c.(415+1_416-1)_(691+1_692-1)del (NM_138459.5).
Identifiers: ClinVar variation 5042017 (VCV005042017.1).

ClinVar aggregate classification (germline): Likely pathogenic (1 of 4 stars; one submission).

Conditions:
Intellectual developmental disorder, autosomal dominant 55, with seizures. Also called: MENTAL RETARDATION, AUTOSOMAL DOMINANT 55, WITH SEIZURES; Intellectual disability, autosomal dominant 55, with seizures. Identifiers: MedGen C4693371, MONDO:0030921, OMIM 617831.

Submission:

Clinical Genetics Laboratory, University Hospital Schleswig-Holstein
Classification: Likely pathogenic for Intellectual developmental disorder, autosomal dominant 55, with seizures. Last evaluated: 2025-02-14. Review status: criteria provided, single submitter. Criteria: ACMG Guidelines, 2015. Collection method: clinical testing. Allele origin: germline. Affected: yes. Observed: 1 heterozygote.
Comment: ACMG criteria applied: PVS1_Strong, PS4_Supporting, PP4